The following is an entry in ClinVar:

ClinVar aggregate classification (germline): Uncertain significance. Review status: criteria provided, multiple submitters, no conflicts (2 of 4 stars). 2 submissions from 2 submitters: Uncertain significance (2). Last evaluated 2025-10-16.

Conditions:
Inborn genetic diseases. Identifiers: MedGen C0950123, MeSH D030342.

gnomAD v4.1: 25 of 1,605,822 alleles (0.0016%); highest among the groups gnomAD compares: African/African-American, 0.021%; no homozygotes.

Submissions (2):

Greenwood Genetic Center Diagnostic Laboratories, Greenwood Genetic Center
Classification: Uncertain significance. Last evaluated: 2025-10-16. Review status: criteria provided, single submitter. Criteria: ACMG Guidelines, 2015. Collection method: clinical testing. Allele origin: germline. Affected: yes.
Comment: PM2

Ambry Genetics
Classification: Uncertain significance for Inborn genetic diseases. Last evaluated: 2022-10-06. Review status: criteria provided, single submitter. Criteria: Ambry Variant Classification Scheme 2023. Collection method: clinical testing. Allele origin: germline.

NM_001163809.2(WDR81):c.3262G>C (p.Gly1088Arg)

Gene: WDR81 (WD repeat domain 81; plus strand). Cytogenetic location: 17p13.3.
Variant type: single nucleotide variant.
Coding change: c.3262G>C on transcript NM_001163809.2 (MANE Select); coding-DNA position 3262, G replaced by C.
Protein change: p.Gly1088Arg; replaces glycine 1088 with arginine.
Molecular consequence: missense variant. On other transcripts: intron variant (2).
Genome position (GRCh38, 1-based): chr17:1,728,221, G>C. VCF-style: chr17-1728221-G-C. GRCh37 (hg19) VCF-style: chr17-1631515-G-C.
Other names: c.109G>C, p.Gly37Arg (NM_152348.4); c.59-2159G>C (NM_001163673.2); c.-14-2159G>C (NM_001163811.2); short protein forms G37R, G1088R.
Identifiers: ClinVar variation 2317295 (VCV002317295.3), dbSNP rs780141508, ClinGen allele CA8273216.
Genomic context (GRCh38, chr17:1,728,221, plus strand): 5'-ACGTCTGGCGTCAGCTTCCACGACCAGGCTGACCTCCCTGAGACAGAGGACTTCCAAGCC[G>C]GGCTCTATGTGACTGAGTCTCCCCAGCCCCAGGAGGCTGAGGCTGTGAGCCTGGGCCGGC-3'
Protein context (NP_001157281.1, residues 1078-1098): DLPETEDFQA[Gly1088Arg]LYVTESPQPQ